The following is an entry in ClinVar:

NM_014844.5(TECPR2):c.675_676del (p.Leu225_Cys226insTer)

Gene: TECPR2 (tectonin beta-propeller repeat containing 2; plus strand). Cytogenetic location: 14q32.31.
Variant type: Microsatellite.
Coding change: c.675_676del on transcript NM_014844.5 (MANE Select); coding-DNA positions 675 to 676, 2 bases deleted (CT; older notation c.675_676delCT).
Protein change: p.Leu225_Cys226insTer.
Molecular consequence: frameshift variant.
Genome position (GRCh38, 1-based): chr14:102,425,015-102,425,016, CT deleted; deleting any 2 consecutive bases within chr14:102,425,013-102,425,016 gives the same sequence; the c. name uses the placement nearest the transcript's 3' end. VCF-style (leftmost placement, unchanged base first): chr14-102425012-ACT-A. GRCh37 (hg19) VCF-style: chr14-102891349-ACT-A.
Other names: c.675_676del, p.Leu225_Cys226insTer (NM_001172631.3).
Identifiers: ClinVar variation 1386551 (VCV001386551.7), dbSNP rs2139715925, ClinGen allele CA2580613771.

ClinVar aggregate classification (germline): Pathogenic/Likely pathogenic. Review status: criteria provided, multiple submitters, no conflicts (2 of 4 stars). 2 submissions from 2 submitters: Pathogenic (1); Likely pathogenic (1). Last evaluated 2024-05-07.

Conditions:
Hereditary spastic paraplegia 49 (HSAN9). Also called: Spastic paraplegia 49, autosomal recessive; NEUROPATHY, HEREDITARY SENSORY AND AUTONOMIC, TYPE IX, WITH DEVELOPMENTAL DELAY; TECPR2-Related Hereditary Sensory and Autonomic Neuropathy with Intellectual Disability. Identifiers: Orphanet 320385, MedGen C5190860, MONDO:0014016, OMIM 615031.

Submissions (2):

Fulgent Genetics
Classification: Likely pathogenic for Hereditary spastic paraplegia 49. Last evaluated: 2024-05-07. Review status: criteria provided, single submitter. Criteria: ACMG Guidelines, 2015. Collection method: clinical testing. Allele origin: germline.

Labcorp Genetics (formerly Invitae), Labcorp
Classification: Pathogenic for Hereditary spastic paraplegia 49. Last evaluated: 2021-05-18. Review status: criteria provided, single submitter. Criteria: Invitae Variant Classification Sherloc (09022015). Collection method: clinical testing. Allele origin: germline.
Comment: Algorithms developed to predict the effect of sequence changes on RNA splicing suggest that this variant may create or strengthen a splice site, but this prediction has not been confirmed by published transcriptional studies. For these reasons, this variant has been classified as Pathogenic. This variant has not been reported in the literature in individuals with TECPR2-related conditions. This variant is not present in population databases (ExAC no frequency). This sequence change creates a premature translational stop signal (p.Cys226*) in the TECPR2 gene. It is expected to result in an absent or disrupted protein product. Loss-of-function variants in TECPR2 are known to be pathogenic (PMID: 23176824, 25590979).

Literature cited by the submitters: PubMed 23176824 (cited by Labcorp Genetics (formerly Invitae), Labcorp); PubMed 25590979 (cited by Labcorp Genetics (formerly Invitae), Labcorp).